The following is an entry in ClinVar:

ClinVar aggregate classification (germline): Conflicting classifications of pathogenicity. Review status: criteria provided, conflicting classifications (1 of 4 stars). 3 submissions from 3 submitters: Uncertain significance (1); Likely benign (2). Last evaluated 2025-07-17.

Conditions:
Inborn genetic diseases. Identifiers: MedGen C0950123, MeSH D030342.
Fanconi renotubular syndrome 2 (FRTS2). Identifiers: MedGen C3150652, MONDO:0013247, OMIM 613388.
Hypophosphatemic nephrolithiasis/osteoporosis 1. Identifiers: Orphanet 244305, MedGen C2676786, MONDO:0012850, OMIM 612286.
Hypercalcemia, infantile, 2 (HCINF2). Identifiers: Orphanet 300547, MedGen C4310473, MONDO:0014851, OMIM 616963.

Allele frequency attached by ClinVar (database versions not stated): TOPMed 0.00002; gnomAD 0.00007; ExAC 0.00013.
gnomAD v4.1: 203 of 1,614,232 alleles (0.013%); highest among the groups gnomAD compares: East Asian, 0.42%; 3 homozygotes.

Submissions (3):

Mayo Clinic Laboratories, Mayo Clinic
Classification: Likely benign. Last evaluated: 2025-07-17. Review status: criteria provided, single submitter. Criteria: ACMG Guidelines, 2015. Collection method: clinical testing. Allele origin: germline. Observed: 1 variant allele.
Comment: BS1

Ambry Genetics
Classification: Likely benign for Inborn genetic diseases. Last evaluated: 2024-01-02. Review status: criteria provided, single submitter. Criteria: Ambry Variant Classification Scheme 2023. Collection method: clinical testing. Allele origin: germline.

Department of Pathology and Laboratory Medicine, Sinai Health System
Classification: Uncertain significance for Hypophosphatemic nephrolithiasis/osteoporosis 1; Fanconi renotubular syndrome 2; Hypercalcemia, infantile, 2. Last evaluated: 2022-06-23. Review status: criteria provided, single submitter. Criteria: ACMG Guidelines, 2015. Collection method: research. Allele origin: germline.

Literature cited by the submitters: PubMed 26920127 (cited by Mayo Clinic Laboratories, Mayo Clinic and Ambry Genetics).

NM_003052.5(SLC34A1):c.343G>A (p.Val115Ile)

Gene: SLC34A1 (solute carrier family 34 member 1; plus strand). Cytogenetic location: 5q35.3.
Variant type: single nucleotide variant.
Coding change: c.343G>A on transcript NM_003052.5 (MANE Select); coding-DNA position 343, G replaced by A.
Protein change: p.Val115Ile; replaces valine 115 with isoleucine.
Molecular consequence: missense variant.
Genome position (GRCh38, 1-based): chr5:177,386,304, G>A. VCF-style: chr5-177386304-G-A. GRCh37 (hg19) VCF-style: chr5-176813305-G-A.
Other names: p.Val115Ile; c.343G>A, p.Val115Ile (NM_001167579.2); short protein forms V115I.
Identifiers: ClinVar variation 3164290 (VCV003164290.3), dbSNP rs777574121, ClinGen allele CA3580346.